The following is an entry in ClinVar:

ClinVar aggregate classification (germline): Uncertain significance. Review status: criteria provided, multiple submitters, no conflicts (2 of 4 stars). 4 submissions from 4 submitters: Uncertain significance (4). Last evaluated 2025-09-25.

Conditions:
Classic or attenuated familial adenomatous polyposis. Identifiers: MedGen CN372698, MONDO:0021057.
Hereditary cancer-predisposing syndrome. Also called: Hereditary Cancer Syndrome; Neoplastic Syndromes, Hereditary; Hereditary neoplastic syndrome; Tumor predisposition. Identifiers: Orphanet 140162, MedGen C0027672, MeSH D009386, MONDO:0015356.
Familial adenomatous polyposis 1 (FAP1). Also called: FAMILIAL ADENOMATOUS POLYPOSIS 1, ATTENUATED; POLYPOSIS, ADENOMATOUS INTESTINAL. Identifiers: MedGen C2713442, MONDO:0021056, OMIM 175100. Disease mechanism: loss of function.

Allele frequency attached by ClinVar (database versions not stated): gnomAD exomes below 0.00001.
gnomAD v4.1: 5 of 1,608,702 alleles (0.00031%); highest among the groups gnomAD compares: Non-Finnish European, 0.00042%; no homozygotes.

Submissions (4):

Ambry Genetics
Classification: Uncertain significance for Hereditary cancer-predisposing syndrome. Last evaluated: 2025-09-25. Review status: criteria provided, single submitter. Criteria: Ambry Variant Classification Scheme 2023. Collection method: clinical testing. Allele origin: germline.
Comment: The p.Y158F variant (also known as c.473A>T), located in coding exon 4 of the APC gene, results from an A to T substitution at nucleotide position 473. The tyrosine at codon 158 is replaced by phenylalanine, an amino acid with highly similar properties. This amino acid position is highly conserved in available vertebrate species. In addition, in silico predictors for this gene do not accurately predict pathogenicity. Since supporting evidence is limited at this time, the clinical significance of this alteration remains unclear.

Color Diagnostics, LLC DBA Color Health
Classification: Uncertain significance for Hereditary cancer-predisposing syndrome. Last evaluated: 2025-06-23. Review status: criteria provided, single submitter. Criteria: ACMG Guidelines, 2015. Collection method: clinical testing. Allele origin: germline.
Comment: This missense variant replaces tyrosine with phenylalanine at codon 158 of the APC protein. Computational prediction is inconclusive regarding the impact of this variant on protein structure and function. To our knowledge, functional studies have not been reported for this variant. This variant has not been reported in individuals affected with APC-related disorders in the literature. This variant has not been identified in the general population by the Genome Aggregation Database (gnomAD). The available evidence is insufficient to determine the role of this variant in disease conclusively. Therefore, this variant is classified as a Variant of Uncertain Significance.

Labcorp Genetics (formerly Invitae), Labcorp
Classification: Uncertain significance for Familial adenomatous polyposis 1. Last evaluated: 2024-12-04. Review status: criteria provided, single submitter. Criteria: Invitae Variant Classification Sherloc (09022015). Collection method: clinical testing. Allele origin: germline.
Comment: This sequence change replaces tyrosine, which is neutral and polar, with phenylalanine, which is neutral and non-polar, at codon 158 of the APC protein (p.Tyr158Phe). This variant is not present in population databases (gnomAD no frequency). This variant has not been reported in the literature in individuals affected with APC-related conditions. ClinVar contains an entry for this variant (Variation ID: 142459). Invitae Evidence Modeling of protein sequence and biophysical properties (such as structural, functional, and spatial information, amino acid conservation, physicochemical variation, residue mobility, and thermodynamic stability) indicates that this missense variant is not expected to disrupt APC protein function with a negative predictive value of 95%. In summary, the available evidence is currently insufficient to determine the role of this variant in disease. Therefore, it has been classified as a Variant of Uncertain Significance.

All of Us Research Program, National Institutes of Health
Classification: Uncertain significance for Classic or attenuated familial adenomatous polyposis. Last evaluated: 2023-06-28. Review status: criteria provided, single submitter. Criteria: ACMG Guidelines, 2015. Collection method: clinical testing. Allele origin: germline. Inheritance: Autosomal dominant inheritance. Observed: 1 variant allele, 1 heterozygote.
Comment: This study involves interpretation of variants in research participants for the purpose of population health screening. Participant phenotype was not available at the time of variant classification. Additional details can be found in publication PMID: 35346344, PMCID: PMC8962531

NM_000038.6(APC):c.473A>T (p.Tyr158Phe)

Gene: APC (APC regulator of Wnt signaling pathway; plus strand). Cytogenetic location: 5q22.2.
Variant type: single nucleotide variant.
Coding change: c.473A>T on transcript NM_000038.6 (MANE Select); coding-DNA position 473, A replaced by T.
Protein change: p.Tyr158Phe; replaces tyrosine 158 with phenylalanine.
Molecular consequence: missense variant. On other transcripts: 5 prime UTR variant (1).
Genome position (GRCh38, 1-based): chr5:112,775,679, A>T. VCF-style: chr5-112775679-A-T. GRCh37 (hg19) VCF-style: chr5-112111376-A-T.
Other names: c.473A>T, p.Tyr158Phe (NM_001127510.3, NM_001354895.2, NM_001354896.2 and 2 more transcripts); c.503A>T, p.Tyr168Phe (NM_001127511.3, NM_001354897.2, NM_001354902.2); c.398A>T, p.Tyr133Phe (NM_001354898.2, NM_001354904.2); c.296A>T, p.Tyr99Phe (NM_001354900.2, NM_001354901.2, NM_001354905.2); c.-563A>T (NM_001354906.2); short protein forms Y158F, Y168F, Y133F, Y99F.
Identifiers: ClinVar variation 142459 (VCV000142459.20), dbSNP rs587782477, ClinGen allele CA009722.